The following is an entry in ClinVar:

NM_013432.5(TONSL):c.933G>A (p.Met311Ile)

Gene: TONSL (tonsoku like, DNA repair protein; minus strand). Cytogenetic location: 8q24.3.
Variant type: single nucleotide variant.
Coding change: c.933G>A on transcript NM_013432.5 (MANE Select); coding-DNA position 933, G replaced by A.
Protein change: p.Met311Ile; replaces methionine 311 with isoleucine.
Molecular consequence: missense variant.
Genome position (GRCh38, 1-based): chr8:144,441,044, C>T on the plus strand (G>A on the coding strand, the complement: TONSL is on the minus strand). VCF-style: chr8-144441044-C-T. GRCh37 (hg19) VCF-style: chr8-145666427-C-T.
Other names: c.933G>A (NM_013432.4); short protein forms M311I.
Identifiers: ClinVar variation 1433356 (VCV001433356.23), dbSNP rs762247306, ClinGen allele CA4943442.
Genomic context (GRCh38, chr8:144,441,044, plus strand): 5'-AGCTGCCCTGGGAAAGTCTCCTGCCTTGGAGAAGAGGTCCCCTAGCTGCTCACAGATGAC[C>T]ATGGCACCCTGAGGGTCTCTGCCCTCAGCCTCTTCCAGCTGTTGCTGCAGCCGGACCACT-3'
Protein context (NP_038460.4, residues 301-321): EAEGRDPQGA[Met311Ile]VICEQLGDLF

ClinVar aggregate classification (germline): Uncertain significance. Review status: criteria provided, multiple submitters, no conflicts (2 of 4 stars). 4 submissions from 4 submitters: Uncertain significance (4). Last evaluated 2026-01-12.

Conditions:
Inborn genetic diseases. Identifiers: MedGen C0950123, MeSH D030342.

Allele frequency attached by ClinVar (database versions not stated): ExAC 0.00002; gnomAD 0.00005; TOPMed 0.00006.
gnomAD v4.1: 74 of 1,612,936 alleles (0.0046%); highest among the groups gnomAD compares: Middle Eastern, 0.099%; no homozygotes.

Submissions (4):

Labcorp Genetics (formerly Invitae), Labcorp
Classification: Uncertain significance. Last evaluated: 2026-01-12. Review status: criteria provided, single submitter. Criteria: Invitae Variant Classification Sherloc (09022015). Collection method: clinical testing. Allele origin: germline.
Comment: This sequence change replaces methionine, which is neutral and non-polar, with isoleucine, which is neutral and non-polar, at codon 311 of the TONSL protein (p.Met311Ile). This variant is present in population databases (rs762247306, gnomAD 0.008%). This variant has not been reported in the literature in individuals affected with TONSL-related conditions. ClinVar contains an entry for this variant (Variation ID: 1433356). Invitae Evidence Modeling of protein sequence and biophysical properties (such as structural, functional, and spatial information, amino acid conservation, physicochemical variation, residue mobility, and thermodynamic stability) has been performed for this missense variant. However, the output from this modeling did not meet the statistical confidence thresholds required to predict the impact of this variant on TONSL protein function. In summary, the available evidence is currently insufficient to determine the role of this variant in disease. Therefore, it has been classified as a Variant of Uncertain Significance.

Ambry Genetics
Classification: Uncertain significance for Inborn genetic diseases. Last evaluated: 2025-08-27. Review status: criteria provided, single submitter. Criteria: Ambry Variant Classification Scheme 2023. Collection method: clinical testing. Allele origin: germline.

CeGaT Center for Human Genetics Tuebingen
Classification: Uncertain significance. Last evaluated: 2024-12-01. Review status: criteria provided, single submitter. Criteria: CeGaT Center For Human Genetics Tuebingen Variant Classification Criteria Version 2. Collection method: clinical testing. Allele origin: germline. Affected: yes. Observed: 1 variant allele.
Comment: TONSL: PM2, BP4

Breakthrough Genomics
Classification: Uncertain significance. Review status: criteria provided, single submitter. Criteria: ACMG Guidelines, 2015. Collection method: not provided. Allele origin: germline. Inheritance: Autosomal recessive inheritance. Affected: yes.